The following is an entry in ClinVar:

NM_001351132.2(PEX5):c.1370G>A (p.Arg457His)

Gene: PEX5 (peroxisomal biogenesis factor 5; plus strand). Cytogenetic location: 12p13.31.
Variant type: single nucleotide variant.
Coding change: c.1370G>A on transcript NM_001351132.2 (MANE Select); coding-DNA position 1370, G replaced by A.
Protein change: p.Arg457His; replaces arginine 457 with histidine.
Molecular consequence: missense variant.
Genome position (GRCh38, 1-based): chr12:7,208,645, G>A. VCF-style: chr12-7208645-G-A. GRCh37 (hg19) VCF-style: chr12-7361241-G-A.
Other names: c.1346G>A, p.Arg449His (NM_000319.5); c.1415G>A, p.Arg472His (NM_001131023.2); c.1259G>A, p.Arg420His (NM_001131024.2, NM_001351124.3, NM_001351126.2 and 7 more transcripts); c.1370G>A, p.Arg457His (NM_001131025.2, NM_001131026.2, NM_001300789.3 and 4 more transcripts); c.1304G>A, p.Arg435His (NM_001351135.3, NM_001351138.2); c.1361G>A, p.Arg454His (NM_001351136.2); c.1235G>A, p.Arg412His (NM_001351139.2, NM_001351140.2, NM_001374649.2); c.1370G>A (NM_001131025.1); short protein forms R412H, R435H, R454H, R472H, R420H, R449H, R457H.
Identifiers: ClinVar variation 1447480 (VCV001447480.5), dbSNP rs758827048, ClinGen allele CA6426435.

ClinVar aggregate classification (germline): Uncertain significance. Review status: criteria provided, multiple submitters, no conflicts (2 of 4 stars). 2 submissions from 2 submitters: Uncertain significance (2). Last evaluated 2025-04-10.

Conditions:
Peroxisome biogenesis disorder 2B (PBD2B). Identifiers: Orphanet 44, MedGen C3550234, MONDO:0008736, OMIM 202370.
Inborn genetic diseases. Identifiers: MedGen C0950123, MeSH D030342.

Allele frequency attached by ClinVar (database versions not stated): gnomAD exomes 0.00003; TOPMed 0.00002; gnomAD 0.00001; ExAC 0.00002.

Submissions (2):

Ambry Genetics
Classification: Uncertain significance for Inborn genetic diseases. Last evaluated: 2025-04-10. Review status: criteria provided, single submitter. Criteria: Ambry Variant Classification Scheme 2023. Collection method: clinical testing. Allele origin: germline.

Labcorp Genetics (formerly Invitae), Labcorp
Classification: Uncertain significance for Peroxisome biogenesis disorder 2B. Last evaluated: 2024-12-09. Review status: criteria provided, single submitter. Criteria: Invitae Variant Classification Sherloc (09022015). Collection method: clinical testing. Allele origin: germline.
Comment: This sequence change replaces arginine, which is basic and polar, with histidine, which is basic and polar, at codon 457 of the PEX5 protein (p.Arg457His). This variant is present in population databases (rs758827048, gnomAD 0.006%). This variant has not been reported in the literature in individuals affected with PEX5-related conditions. ClinVar contains an entry for this variant (Variation ID: 1447480). Invitae Evidence Modeling of protein sequence and biophysical properties (such as structural, functional, and spatial information, amino acid conservation, physicochemical variation, residue mobility, and thermodynamic stability) indicates that this missense variant is not expected to disrupt PEX5 protein function with a negative predictive value of 80%. In summary, the available evidence is currently insufficient to determine the role of this variant in disease. Therefore, it has been classified as a Variant of Uncertain Significance.